The following is an entry in ClinVar:

NM_001349884.2(DRAM2):c.737T>C (p.Leu246Pro)

Gene: DRAM2 (DNA damage regulated autophagy modulator 2; minus strand). Cytogenetic location: 1p13.3.
Variant type: single nucleotide variant.
Coding change: c.737T>C on transcript NM_001349884.2 (MANE Select); coding-DNA position 737, T replaced by C.
Protein change: p.Leu246Pro; replaces leucine 246 with proline.
Molecular consequence: missense variant. On other transcripts: non-coding transcript variant (8).
Genome position (GRCh38, 1-based): chr1:111,118,224, A>G on the plus strand (T>C on the coding strand, the complement: DRAM2 is on the minus strand). VCF-style: chr1-111118224-A-G. GRCh37 (hg19) VCF-style: chr1-111660846-A-G.
Other names: c.737T>C, p.Leu246Pro (NM_001349881.2, NM_001349882.2, NM_001349885.2 and 1 more transcripts); c.467T>C, p.Leu156Pro (NM_001349886.2, NM_001349887.2, NM_001349888.2); c.347T>C, p.Leu116Pro (NM_001349889.2, NM_001349890.2, NM_001349891.2 and 2 more transcripts); short protein forms L116P, L246P, L156P.
Identifiers: ClinVar variation 863836 (VCV000863836.30), dbSNP rs148031211, ClinGen allele CA1001730.

ClinVar aggregate classification (germline): Conflicting classifications of pathogenicity. Review status: criteria provided, conflicting classifications (1 of 4 stars). 8 submissions from 8 submitters: Pathogenic (1); Likely pathogenic (1); Uncertain significance (4). 2 of the submissions do not count toward it. Last evaluated 2026-03-13.

Conditions:
DRAM2-related disorder. Also called: DRAM2-related condition.
Retinal dystrophy. Also called: Inherited retinal dystrophy. Identifiers: Orphanet 71862, MedGen C0854723, MeSH D058499, MONDO:0019118, HP:0000556.
Cone-rod dystrophy 21. Also called: Retinal dystrophy with early macular involvement. Identifiers: Orphanet 1872, MedGen C4049066, MONDO:0014669, OMIM 616502, HP:0030635.

Allele frequency attached by ClinVar (database versions not stated): TOPMed 0.00029; gnomAD 0.00031 and 0.00032; gnomAD exomes 0.00033 and 0.00060; ExAC 0.00037; ESP Exome Variant Server 0.00038.
gnomAD v4.1: 905 of 1,612,948 alleles (0.056%); highest among the groups gnomAD compares: Non-Finnish European, 0.073%; 1 homozygote.

Submissions (8):

PreventionGenetics, part of Exact Sciences
Classification: Uncertain significance for DRAM2-related condition. Last evaluated: 2026-03-13. Review status: criteria provided, single submitter. Criteria: ACMG Guidelines, 2015. Collection method: clinical testing. Allele origin: germline.
Comment: The DRAM2 c.737T>C variant is predicted to result in the amino acid substitution p.Leu246Pro. This variant has been reported as a variant of uncertain significance in cohort studies of retinal disease (supplementary data, Diñeiro et al. 2020. PubMed ID: 32483926; supplementary data, Lin et al. 2024. PubMed ID: 38219857). This variant has also been reported along with a second DRAM2 variant in an individual with late-onset maculopathy (Krašovec et al. 2022. PubMed ID: 35806404). This variant is present in 0.066% of alleles in individuals of European (Non-Finnish) descent in gnomAD. At this time, the clinical significance of this variant is uncertain due to the absence of conclusive functional and genetic evidence.

Labcorp Genetics (formerly Invitae), Labcorp
Classification: Pathogenic. Last evaluated: 2025-12-29. Review status: criteria provided, single submitter. Criteria: Invitae Variant Classification Sherloc (09022015). Collection method: clinical testing. Allele origin: germline.
Comment: This sequence change replaces leucine, which is neutral and non-polar, with proline, which is neutral and non-polar, at codon 246 of the DRAM2 protein (p.Leu246Pro). This variant is present in population databases (rs148031211, gnomAD 0.07%). This missense change has been observed in individual(s) with inherited retinal disease (PMID: 32483926, 35806404; internal data). In at least one individual the data is consistent with being in trans (on the opposite chromosome) from a pathogenic variant. ClinVar contains an entry for this variant (Variation ID: 863836). An algorithm developed to predict the effect of missense changes on protein structure and function (PolyPhen-2) suggests that this variant is likely to be disruptive. For these reasons, this variant has been classified as Pathogenic.

CeGaT Center for Human Genetics Tuebingen
Classification: Uncertain significance. Last evaluated: 2024-11-01. Review status: criteria provided, single submitter. Criteria: CeGaT Center For Human Genetics Tuebingen Variant Classification Criteria Version 2. Collection method: clinical testing. Allele origin: germline. Affected: yes. Observed: 1 variant allele.

Blueprint Genetics
Classification: Likely pathogenic for DRAM2-related disorders. Last evaluated: 2024-05-27. Review status: criteria provided, single submitter. Criteria: ACMG Guidelines, 2015. Collection method: clinical testing. Allele origin: germline. Affected: yes. Observed: 5 variant alleles.

Institute of Human Genetics, Univ. Regensburg, Univ. Regensburg
Classification: Uncertain significance for Retinal dystrophy. Last evaluated: 2023-01-01. Review status: criteria provided, single submitter. Criteria: ACMG Guidelines, 2015. Collection method: clinical testing. Allele origin: germline. Affected: yes.

Institute of Human Genetics, University of Leipzig Medical Center
Classification: Uncertain significance for Cone-rod dystrophy 21. Last evaluated: 2021-09-23. Review status: criteria provided, single submitter. Criteria: ACMG Guidelines, 2015. Collection method: clinical testing. Allele origin: unknown. Affected: yes.

Clinical Genetics, Academic Medical Center
Classification: Uncertain significance. Review status: no assertion criteria provided. Collection method: clinical testing. Allele origin: germline. Affected: yes. Study: VKGL Data-share Consensus. Not counted in ClinVar's aggregate classification.

Joint Genome Diagnostic Labs from Nijmegen and Maastricht, Radboudumc and MUMC+
Classification: Uncertain significance. Review status: no assertion criteria provided. Collection method: clinical testing. Allele origin: germline. Affected: yes. Study: VKGL Data-share Consensus. Not counted in ClinVar's aggregate classification.

Literature cited by the submitters: PubMed 32483926 (cited by Labcorp Genetics (formerly Invitae), Labcorp and Institute of Human Genetics, Univ. Regensburg, Univ. Regensburg); PubMed 35806404 (cited by Labcorp Genetics (formerly Invitae), Labcorp).